The following is an entry in ClinVar:

NM_000493.4(COL10A1):c.*317T>A

Genes: COL10A1 (collagen type X alpha 1 chain; minus strand), NT5DC1 (5'-nucleotidase domain containing 1; plus strand). Cytogenetic location: 6q22.1.
Variant type: single nucleotide variant.
Coding change: c.*317T>A on transcript NM_000493.4 (MANE Select); 317 bases downstream of the stop codon, T replaced by A.
Molecular consequence: 3 prime UTR variant. On other transcripts: intron variant (1).
Genome position (GRCh38, 1-based): chr6:116,119,756, A>T on the plus strand (T>A on the coding strand, the complement: COL10A1 is on the minus strand). VCF-style: chr6-116119756-A-T. GRCh37 (hg19) VCF-style: chr6-116440919-A-T.
Other names: c.*317T>A (NM_001424106.1, NM_001424107.1); c.529+1811A>T (NM_152729.3).
Identifiers: ClinVar variation 355081 (VCV000355081.5), dbSNP rs553227989, ClinGen allele CA10625658.

ClinVar aggregate classification (germline): Benign (1 of 4 stars; one submission).

Conditions:
Metaphyseal chondrodysplasia, Schmid type (MCDS). Also called: SPONDYLOMETAPHYSEAL DYSPLASIA, JAPANESE TYPE. Identifiers: Orphanet 174, MedGen C0265289, MONDO:0007983, OMIM 156500.

Allele frequency attached by ClinVar (database versions not stated): gnomAD 0.00130 and 0.00278; gnomAD exomes 0.00224; 1000 Genomes Project 30x 0.01046; 1000 Genomes Project 0.01158.
gnomAD v4.1: 594 of 227,868 alleles (0.26%); highest among the groups gnomAD compares: South Asian, 3.7%; 12 homozygotes.

Submission:

Illumina Laboratory Services, Illumina
Classification: Benign for Metaphyseal chondrodysplasia, Schmid type. Last evaluated: 2018-01-13. Review status: criteria provided, single submitter. Criteria: ICSL Variant Classification Criteria 13 December 2019. Collection method: clinical testing. Allele origin: germline.
Comment: This variant was observed in the ICSL laboratory as part of a predisposition screen in an ostensibly healthy population. It had not been previously curated by ICSL or reported in the Human Gene Mutation Database (HGMD: prior to June 1st, 2018), and was therefore a candidate for classification through an automated scoring system. Utilizing variant allele frequency, disease prevalence and penetrance estimates, and inheritance mode, an automated score was calculated to assess if this variant is too frequent to cause the disease. Based on the score and internal cut-off values, a variant classified as benign is not then subjected to further curation. The score for this variant resulted in a classification of benign for this disease.